The following is an entry in ClinVar:

ClinVar aggregate classification (germline): Likely benign. Review status: criteria provided, multiple submitters, no conflicts (2 of 4 stars). 3 submissions from 3 submitters: Likely benign (3). Last evaluated 2026-09-14.

Conditions:
Distal myopathy with posterior leg and anterior hand involvement. Also called: WILLIAMS DISTAL MYOPATHY. Identifiers: Orphanet 63273, MedGen C3279722, MONDO:0013550, OMIM 614065.
Myofibrillar myopathy 5. Also called: Filaminopathy (type); FILAMINOPATHY, AUTOSOMAL DOMINANT. Identifiers: Orphanet 171445, MedGen C1836050, MONDO:0012289, OMIM 609524.
Hypertrophic cardiomyopathy 26. Also called: Cardiomyopathy, familial hypertrophic, 26. Identifiers: Orphanet 75249, MedGen C4310749, MONDO:0014883, OMIM 617047.
Cardiovascular phenotype. Identifiers: MedGen CN230736.

Allele frequency attached by ClinVar (database versions not stated): gnomAD 0.00001; TOPMed 0.00002.
gnomAD v4.1: 13 of 1,612,798 alleles (0.00081%); highest among the groups gnomAD compares: Middle Eastern, 0.016%; no homozygotes.

Submissions (3):

Ambry Genetics
Classification: Likely benign for Cardiovascular phenotype. Last evaluated: 2026-09-14. Review status: criteria provided, single submitter. Criteria: Ambry Variant Classification Scheme 2023. Collection method: clinical testing. Allele origin: germline.

Labcorp Genetics (formerly Invitae), Labcorp
Classification: Likely benign for Distal myopathy with posterior leg and anterior hand involvement; Myofibrillar myopathy 5; Hypertrophic cardiomyopathy 26. Last evaluated: 2025-11-24. Review status: criteria provided, single submitter. Criteria: Invitae Variant Classification Sherloc (09022015). Collection method: clinical testing. Allele origin: germline.

CeGaT Center for Human Genetics Tuebingen
Classification: Likely benign. Last evaluated: 2022-12-01. Review status: criteria provided, single submitter. Criteria: CeGaT Center For Human Genetics Tuebingen Variant Classification Criteria Version 2. Collection method: clinical testing. Allele origin: germline. Affected: yes. Observed: 1 variant allele.
Comment: FLNC: BP4, BP7

NM_001458.5(FLNC):c.7302C>T (p.Asn2434=)

Genes: FLNC (filamin C; plus strand), FLNC-AS1 (FLNC antisense RNA 1; minus strand). Cytogenetic location: 7q32.1.
Variant type: single nucleotide variant.
Coding change: c.7302C>T on transcript NM_001458.5 (MANE Select); coding-DNA position 7302, C replaced by T.
Protein change: p.Asn2434=; no amino-acid change (asparagine 2434 retained).
Molecular consequence: synonymous variant.
Genome position (GRCh38, 1-based): chr7:128,856,568, C>T. VCF-style: chr7-128856568-C-T. GRCh37 (hg19) VCF-style: chr7-128496622-C-T.
Other names: c.7203C>T, p.Asn2401= (NM_001127487.2).
Identifiers: ClinVar variation 798803 (VCV000798803.36), dbSNP rs760533029, ClinGen allele CA4476227.